The following is an entry in ClinVar:

NM_001386140.1(MTTP):c.640G>T (p.Ala214Ser)

Gene: MTTP (microsomal triglyceride transfer protein; plus strand). Cytogenetic location: 4q23.
Variant type: single nucleotide variant.
Coding change: c.640G>T on transcript NM_001386140.1 (MANE Select); coding-DNA position 640, G replaced by T.
Protein change: p.Ala214Ser; replaces alanine 214 with serine.
Molecular consequence: missense variant.
Genome position (GRCh38, 1-based): chr4:99,591,672, G>T. VCF-style: chr4-99591672-G-T. GRCh37 (hg19) VCF-style: chr4-100512829-G-T.
Other names: c.640G>T, p.Ala214Ser (NM_000253.4); c.391G>T, p.Ala131Ser (NM_001300785.2); short protein forms A131S, A214S.
Identifiers: ClinVar variation 2421108 (VCV002421108.4), dbSNP rs1560617684, ClinGen allele CA357504945.
Genomic context (GRCh38, chr4:99,591,672, plus strand): 5'-ATGATTACTTGTTATAAAGATGGCTATTTATTTATTTAGGTCTTGGGTGTCAGTTCAAAA[G>T]CTACATCTGTCACCACCTATAAGATAGAAGACAGCTTTGTTATAGCTGTGCTTGCTGAAG-3'
Protein context (NP_001373069.1, residues 204-224): PNQVLGVSSK[Ala214Ser]TSVTTYKIED

ClinVar aggregate classification (germline): Uncertain significance. Review status: criteria provided, multiple submitters, no conflicts (2 of 4 stars). 2 submissions from 2 submitters: Uncertain significance (2). Last evaluated 2023-12-22.

Allele frequency attached by ClinVar (database versions not stated): gnomAD exomes 0.00001; TOPMed 0.00001.
gnomAD v4.1: 7 of 1,612,842 alleles (0.00043%); highest among the groups gnomAD compares: Middle Eastern, 0.017%; no homozygotes.

Submissions (2):

Blueprint Genetics
Classification: Uncertain significance. Last evaluated: 2023-12-22. Review status: criteria provided, single submitter. Criteria: ACMG Guidelines, 2015. Collection method: clinical testing. Allele origin: germline.

Labcorp Genetics (formerly Invitae), Labcorp
Classification: Uncertain significance. Last evaluated: 2022-03-26. Review status: criteria provided, single submitter. Criteria: Invitae Variant Classification Sherloc (09022015). Collection method: clinical testing. Allele origin: germline.
Comment: This sequence change replaces alanine, which is neutral and non-polar, with serine, which is neutral and polar, at codon 214 of the MTTP protein (p.Ala214Ser). This variant is not present in population databases (gnomAD no frequency). This variant has not been reported in the literature in individuals affected with MTTP-related conditions. Algorithms developed to predict the effect of missense changes on protein structure and function output the following: SIFT: "Tolerated"; PolyPhen-2: "Benign"; Align-GVGD: "Class C0". The serine amino acid residue is found in multiple mammalian species, which suggests that this missense change does not adversely affect protein function. In summary, the available evidence is currently insufficient to determine the role of this variant in disease. Therefore, it has been classified as a Variant of Uncertain Significance.